The following is an entry in ClinVar:

ClinVar aggregate classification (germline): Uncertain significance (1 of 4 stars; one submission).

Conditions:
Candidiasis, familial, 8 (CANDF8). Identifiers: Orphanet 1334, MedGen C3714992, MONDO:0014230, OMIM 615527.

Submission:

Labcorp Genetics (formerly Invitae), Labcorp
Classification: Uncertain significance for Candidiasis, familial, 8. Last evaluated: 2024-03-01. Review status: criteria provided, single submitter. Criteria: Invitae Variant Classification Sherloc (09022015). Collection method: clinical testing. Allele origin: germline.
Comment: This sequence change replaces serine, which is neutral and polar, with alanine, which is neutral and non-polar, at codon 220 of the TRAF3IP2 protein (p.Ser220Ala). This variant is not present in population databases (gnomAD no frequency). This variant has not been reported in the literature in individuals affected with TRAF3IP2-related conditions. Advanced modeling of protein sequence and biophysical properties (such as structural, functional, and spatial information, amino acid conservation, physicochemical variation, residue mobility, and thermodynamic stability) has been performed at Invitae for this missense variant, however the output from this modeling did not meet the statistical confidence thresholds required to predict the impact of this variant on TRAF3IP2 protein function. In summary, the available evidence is currently insufficient to determine the role of this variant in disease. Therefore, it has been classified as a Variant of Uncertain Significance.

NM_147686.4(TRAF3IP2):c.658T>G (p.Ser220Ala)

Genes: TRAF3IP2 (TRAF3 interacting protein 2; minus strand), TRAF3IP2-AS1 (TRAF3IP2 antisense RNA 1; plus strand), LOC114803478 (TRAF3IP2 eExon liver enhancer; plus strand). Cytogenetic location: 6q21.
Variant type: single nucleotide variant.
Coding change: c.658T>G on transcript NM_147686.4 (MANE Select); coding-DNA position 658, T replaced by G.
Protein change: p.Ser220Ala; replaces serine 220 with alanine.
Molecular consequence: missense variant.
Genome position (GRCh38, 1-based): chr6:111,591,429, A>C on the plus strand (T>G on the coding strand, the complement: TRAF3IP2 is on the minus strand). VCF-style: chr6-111591429-A-C. GRCh37 (hg19) VCF-style: chr6-111912632-A-C.
Other names: c.658T>G, p.Ser220Ala (NM_001164281.3); c.685T>G, p.Ser229Ala (NM_147200.3); short protein forms S220A, S229A.
Identifiers: ClinVar variation 3683601 (VCV003683601.2).